The following is an entry in ClinVar:

NM_001042492.3(NF1):c.3623T>G (p.Leu1208Trp)

Gene: NF1 (neurofibromin 1; plus strand). Cytogenetic location: 17q11.2.
Variant type: single nucleotide variant.
Coding change: c.3623T>G on transcript NM_001042492.3 (MANE Select); coding-DNA position 3623, T replaced by G.
Protein change: p.Leu1208Trp; replaces leucine 1208 with tryptophan.
Molecular consequence: missense variant.
Genome position (GRCh38, 1-based): chr17:31,233,128, T>G. VCF-style: chr17-31233128-T-G. GRCh37 (hg19) VCF-style: chr17-29560146-T-G.
Other names: c.3623T>G, p.Leu1208Trp (NM_000267.4); short protein forms L1208W.
Identifiers: ClinVar variation 1068122 (VCV001068122.7), dbSNP rs1060500374, ClinGen allele CA398990345.

ClinVar aggregate classification (germline): Pathogenic/Likely pathogenic. Review status: criteria provided, multiple submitters, no conflicts (2 of 4 stars). 3 submissions from 3 submitters: Pathogenic (1); Likely pathogenic (2). Last evaluated 2024-09-22.

Conditions:
Hereditary cancer-predisposing syndrome. Also called: Tumor predisposition; Neoplastic Syndromes, Hereditary; Hereditary neoplastic syndrome; Hereditary Cancer Syndrome. Identifiers: Orphanet 140162, MedGen C0027672, MeSH D009386, MONDO:0015356.
Cardiovascular phenotype. Identifiers: MedGen CN230736.
Neurofibromatosis, type 1 (NF1). Also called: VON RECKLINGHAUSEN DISEASE; Peripheral type neurofibromatosis; NEUROFIBROMATOSIS, TYPE I, SOMATIC; Neurofibromatosis, type I. Identifiers: Orphanet 636, MedGen C0027831, MONDO:0018975, OMIM 162200. Disease mechanism: loss of function.

Submissions (3):

Genomic Medicine Center of Excellence, King Faisal Specialist Hospital and Research Centre
Classification: Likely pathogenic for Neurofibromatosis, type 1. Last evaluated: 2024-09-22. Review status: criteria provided, single submitter. Criteria: ACMG Guidelines, 2015. Collection method: clinical testing. Allele origin: germline.

Labcorp Genetics (formerly Invitae), Labcorp
Classification: Pathogenic for Neurofibromatosis, type 1. Last evaluated: 2024-05-13. Review status: criteria provided, single submitter. Criteria: Invitae Variant Classification Sherloc (09022015). Collection method: clinical testing. Allele origin: germline.
Comment: This sequence change replaces leucine, which is neutral and non-polar, with tryptophan, which is neutral and slightly polar, at codon 1208 of the NF1 protein (p.Leu1208Trp). This variant is not present in population databases (gnomAD no frequency). This missense change has been observed in individual(s) with neurofibromatosis type I (PMID: 26635368; Invitae). ClinVar contains an entry for this variant (Variation ID: 1068122). Advanced modeling of protein sequence and biophysical properties (such as structural, functional, and spatial information, amino acid conservation, physicochemical variation, residue mobility, and thermodynamic stability) performed at Invitae indicates that this missense variant is expected to disrupt NF1 protein function with a positive predictive value of 95%. Experimental studies have shown that this missense change affects NF1 function (PMID: 26635368). For these reasons, this variant has been classified as Pathogenic.

Ambry Genetics
Classification: Likely pathogenic for Cardiovascular phenotype; Hereditary cancer-predisposing syndrome. Last evaluated: 2023-12-01. Review status: criteria provided, single submitter. Criteria: Ambry Variant Classification Scheme 2023. Collection method: clinical testing. Allele origin: germline.
Comment: The p.L1208W variant (also known as c.3623T>G), located in coding exon 27 of the NF1 gene, results from a T to G substitution at nucleotide position 3623. The leucine at codon 1208 is replaced by tryptophan, an amino acid with similar properties. This alteration was identified in multiple individuals with a clinical diagnosis or suspicion of neurofibromatosis type 1 and determined to be the result of a de novo mutation in one of the individuals (Hirata Y et al. J Biol Chem, 2016 Feb;291:3124-34; external communications). This amino acid position is highly conserved in available vertebrate species. In addition, this alteration is predicted to be deleterious by in silico analysis. This variant is considered to be rare based on population cohorts in the Genome Aggregation Database (gnomAD). Based on the majority of available evidence to date, this variant is likely to be pathogenic.

Literature cited by the submitters: PubMed 26635368 (cited by Labcorp Genetics (formerly Invitae), Labcorp).